The following is an entry in ClinVar:

NM_138393.4(REEP6):c.209+8C>T

Gene: REEP6 (receptor accessory protein 6; plus strand). Cytogenetic location: 19p13.3.
Variant type: single nucleotide variant.
Coding change: c.209+8C>T on transcript NM_138393.4 (MANE Select); 8 bases into the intron after coding-DNA position 209, C replaced by T.
Molecular consequence: intron variant.
Genome position (GRCh38, 1-based): chr19:1,495,395, C>T. VCF-style: chr19-1495395-C-T. GRCh37 (hg19) VCF-style: chr19-1495394-C-T.
Other names: c.209+8C>T (NM_001329556.3, NM_001329556.1).
Identifiers: ClinVar variation 1975807 (VCV001975807.7), dbSNP rs2512805566, ClinGen allele CA2580096053.

ClinVar aggregate classification (germline): Likely benign. Review status: criteria provided, single submitter (1 of 4 stars). 2 submissions from 2 submitters: Likely benign (1). 1 of the submissions does not count toward it. Last evaluated 2021-12-24.

Conditions:
REEP6-related disorder. Also called: REEP6-related condition.

Allele frequency attached by ClinVar (database versions not stated): gnomAD exomes 0.00001.
gnomAD v4.1: 3 of 1,613,814 alleles (0.00019%); highest among the groups gnomAD compares: Non-Finnish European, 0.00025%; no homozygotes.

Submissions (2):

Labcorp Genetics (formerly Invitae), Labcorp
Classification: Likely benign. Last evaluated: 2021-12-24. Review status: criteria provided, single submitter. Criteria: Invitae Variant Classification Sherloc (09022015). Collection method: clinical testing. Allele origin: germline.

PreventionGenetics, part of Exact Sciences
Classification: Likely benign for REEP6-related condition. Last evaluated: 2020-12-21. Review status: no assertion criteria provided. Collection method: clinical testing. Allele origin: germline. Not counted in ClinVar's aggregate classification.
Comment: This variant is classified as likely benign based on ACMG/AMP sequence variant interpretation guidelines (Richards et al. 2015 PMID: 25741868, with internal and published modifications).